The following is an entry in ClinVar:

ClinVar aggregate classification (germline): Uncertain significance (1 of 4 stars; one submission).

Conditions:
Ullrich congenital muscular dystrophy 2 (UCMD2). Identifiers: Orphanet 75840, MedGen C4225314, MONDO:0014654, OMIM 616470.
Bethlem myopathy 2 (BTHLM2). Identifiers: Orphanet 536516, Orphanet 610, MedGen C4225313, MONDO:0034022, OMIM 616471.

Allele frequency attached by ClinVar (database versions not stated): TOPMed below 0.00001.

Submission:

Labcorp Genetics (formerly Invitae), Labcorp
Classification: Uncertain significance for Bethlem myopathy 2; Ullrich congenital muscular dystrophy 2. Last evaluated: 2022-02-03. Review status: criteria provided, single submitter. Criteria: Invitae Variant Classification Sherloc (09022015). Collection method: clinical testing. Allele origin: germline.
Comment: In summary, the available evidence is currently insufficient to determine the role of this variant in disease. Therefore, it has been classified as a Variant of Uncertain Significance. This variant is not present in population databases (gnomAD no frequency). This variant has not been reported in the literature in individuals affected with COL12A1-related conditions. ClinVar contains an entry for this variant (Variation ID: 940017). Algorithms developed to predict the effect of missense changes on protein structure and function are either unavailable or do not agree on the potential impact of this missense change (SIFT: "Deleterious"; PolyPhen-2: "Probably Damaging"; Align-GVGD: "Class C0"). This sequence change replaces isoleucine, which is neutral and non-polar, with methionine, which is neutral and non-polar, at codon 627 of the COL12A1 protein (p.Ile627Met).

NM_004370.6(COL12A1):c.1881A>G (p.Ile627Met)

Gene: COL12A1 (collagen type XII alpha 1 chain; minus strand). Cytogenetic location: 6q13.
Variant type: single nucleotide variant.
Coding change: c.1881A>G on transcript NM_004370.6 (MANE Select); coding-DNA position 1881, A replaced by G.
Protein change: p.Ile627Met; replaces isoleucine 627 with methionine.
Molecular consequence: missense variant. On other transcripts: intron variant (1).
Genome position (GRCh38, 1-based): chr6:75,183,060, T>C on the plus strand (A>G on the coding strand, the complement: COL12A1 is on the minus strand). VCF-style: chr6-75183060-T-C. GRCh37 (hg19) VCF-style: chr6-75892776-T-C.
Other names: c.73+19660A>G (NM_080645.3); short protein forms I627M.
Identifiers: ClinVar variation 940017 (VCV000940017.10), dbSNP rs962496340, ClinGen allele CA141029183.